The following is an entry in ClinVar:

NM_015295.3(SMCHD1):c.5878+3A>G

Gene: SMCHD1 (structural maintenance of chromosomes flexible hinge domain containing 1; plus strand). Cytogenetic location: 18p11.32.
Variant type: single nucleotide variant.
Coding change: c.5878+3A>G on transcript NM_015295.3 (MANE Select); 3 bases into the intron after coding-DNA position 5878, A replaced by G.
Molecular consequence: intron variant.
Genome position (GRCh38, 1-based): chr18:2,796,110, A>G. VCF-style: chr18-2796110-A-G. GRCh37 (hg19) VCF-style: chr18-2796108-A-G.
Identifiers: ClinVar variation 1407354 (VCV001407354.6), dbSNP rs375668696, ClinGen allele CA8871799.

ClinVar aggregate classification (germline): Uncertain significance (1 of 4 stars; one submission).

Conditions:
Facioscapulohumeral muscular dystrophy 2 (FSHD2). Also called: MUSCULAR DYSTROPHY, FACIOSCAPULOHUMERAL, TYPE 1B; FACIOSCAPULOHUMERAL MUSCULAR DYSTROPHY 2, DIGENIC; FSHD2, DIGENIC. Identifiers: Orphanet 269, MedGen C1834671, MONDO:0008031, OMIM 158901.

Allele frequency attached by ClinVar (database versions not stated): gnomAD exomes 0.00003; ExAC 0.00004; ESP Exome Variant Server 0.00017; TOPMed 0.00018; gnomAD 0.00019 and 0.00021.
gnomAD v4.1: 39 of 1,534,374 alleles (0.0025%); highest among the groups gnomAD compares: African/African-American, 0.051%; no homozygotes.

Submission:

Labcorp Genetics (formerly Invitae), Labcorp
Classification: Uncertain significance for Facioscapulohumeral muscular dystrophy 2. Last evaluated: 2025-12-08. Review status: criteria provided, single submitter. Criteria: Invitae Variant Classification Sherloc (09022015). Collection method: clinical testing. Allele origin: germline.
Comment: This sequence change falls in intron 46 of the SMCHD1 gene. It does not directly change the encoded amino acid sequence of the SMCHD1 protein. It affects a nucleotide within the consensus splice site. This variant is present in population databases (rs375668696, gnomAD 0.06%). This variant has not been reported in the literature in individuals affected with SMCHD1-related conditions. ClinVar contains an entry for this variant (Variation ID: 1407354). Variants that disrupt the consensus splice site are a relatively common cause of aberrant splicing (PMID: 17576681, 9536098). Algorithms developed to predict the effect of sequence changes on RNA splicing suggest that this variant is not likely to affect RNA splicing. In summary, the available evidence is currently insufficient to determine the role of this variant in disease. Therefore, it has been classified as a Variant of Uncertain Significance.

Literature cited by the submitters: PubMed 17576681; PubMed 9536098.